The following is an entry in ClinVar:

ClinVar aggregate classification (germline): Likely benign. Review status: criteria provided, multiple submitters, no conflicts (2 of 4 stars). 2 submissions from 2 submitters: Likely benign (2). Last evaluated 2026-06-01.

Allele frequency attached by ClinVar (database versions not stated): gnomAD exomes 0.00003 and 0.00006; TOPMed 0.00003; ExAC 0.00006.
gnomAD v4.1: 16 of 1,614,192 alleles (0.00099%); highest among the groups gnomAD compares: Admixed American, 0.027%; no homozygotes.

Submissions (2):

CeGaT Center for Human Genetics Tuebingen
Classification: Likely benign. Last evaluated: 2026-06-01. Review status: criteria provided, single submitter. Criteria: CeGaT Center For Human Genetics Tuebingen Variant Classification Criteria Version 2. Collection method: clinical testing. Allele origin: germline. Affected: yes. Observed: 2 variant alleles.
Comment: KCNH1: BP4, BP7

Labcorp Genetics (formerly Invitae), Labcorp
Classification: Likely benign. Last evaluated: 2026-01-12. Review status: criteria provided, single submitter. Criteria: Invitae Variant Classification Sherloc (09022015). Collection method: clinical testing. Allele origin: germline.

NM_172362.3(KCNH1):c.2025T>C (p.Asp675=)

Gene: KCNH1 (potassium voltage-gated channel subfamily H member 1; minus strand). Cytogenetic location: 1q32.2.
Variant type: single nucleotide variant.
Coding change: c.2025T>C on transcript NM_172362.3 (MANE Select); coding-DNA position 2025, T replaced by C.
Protein change: p.Asp675=; no amino-acid change (aspartic acid 675 retained).
Molecular consequence: synonymous variant.
Genome position (GRCh38, 1-based): chr1:210,775,435, A>G on the plus strand (T>C on the coding strand, the complement: KCNH1 is on the minus strand). VCF-style: chr1-210775435-A-G. GRCh37 (hg19) VCF-style: chr1-210948777-A-G.
Other names: c.1944T>C, p.Asp648= (NM_002238.4).
Identifiers: ClinVar variation 725148 (VCV000725148.10), dbSNP rs779903745, ClinGen allele CA1379787.